The following is an entry in ClinVar:

NM_015338.6(ASXL1):c.815C>T (p.Thr272Ile)

Gene: ASXL1 (ASXL transcriptional regulator 1; plus strand). Cytogenetic location: 20q11.21.
Variant type: single nucleotide variant.
Coding change: c.815C>T on transcript NM_015338.6 (MANE Select); coding-DNA position 815, C replaced by T.
Protein change: p.Thr272Ile; replaces threonine 272 with isoleucine.
Molecular consequence: missense variant.
Genome position (GRCh38, 1-based): chr20:32,431,417, C>T. VCF-style: chr20-32431417-C-T. GRCh37 (hg19) VCF-style: chr20-31019220-C-T.
Other names: c.632C>T, p.Thr211Ile (NM_001363734.1); short protein forms T211I, T272I.
Identifiers: ClinVar variation 3957238 (VCV003957238.1).

ClinVar aggregate classification (germline): Uncertain significance (1 of 4 stars; one submission).

Conditions:
Inborn genetic diseases. Identifiers: MedGen C0950123, MeSH D030342.

Submission:

Ambry Genetics
Classification: Uncertain significance for Inborn genetic diseases. Last evaluated: 2025-05-23. Review status: criteria provided, single submitter. Criteria: Ambry Variant Classification Scheme 2023. Collection method: clinical testing. Allele origin: germline.
Comment: The p.T272I variant (also known as c.815C>T), located in coding exon 9 of the ASXL1 gene, results from a C to T substitution at nucleotide position 815. The threonine at codon 272 is replaced by isoleucine, an amino acid with similar properties. This amino acid position is conserved. In addition, this alteration is predicted to be deleterious by in silico analysis. Based on the available evidence, the clinical significance of this variant remains unclear.